The following is an entry in ClinVar:

ClinVar aggregate classification (germline): Likely benign (1 of 4 stars; one submission).

gnomAD v4.1: 66 of 1,612,304 alleles (0.0041%); highest among the groups gnomAD compares: Admixed American, 0.11%; no homozygotes.

Submission:

CeGaT Center for Human Genetics Tuebingen
Classification: Likely benign. Last evaluated: 2026-08-01. Review status: criteria provided, single submitter. Criteria: CeGaT Center For Human Genetics Tuebingen Variant Classification Criteria Version 2. Collection method: clinical testing. Allele origin: germline. Affected: yes. Observed: 1 variant allele.
Comment: FLG: BP4, BP7

NM_002016.2(FLG):c.7713T>C (p.Ser2571=)

Genes: CCDST (cervical cancer associated DHX9 suppressive transcript; plus strand), FLG (filaggrin; minus strand). Cytogenetic location: 1q21.3.
Variant type: single nucleotide variant.
Coding change: c.7713T>C on transcript NM_002016.2 (MANE Select); coding-DNA position 7713, T replaced by C.
Protein change: p.Ser2571=; no amino-acid change (serine 2571 retained).
Molecular consequence: synonymous variant.
Genome position (GRCh38, 1-based): chr1:152,307,173, A>G on the plus strand (T>C on the coding strand, the complement: FLG is on the minus strand). VCF-style: chr1-152307173-A-G. GRCh37 (hg19) VCF-style: chr1-152279649-A-G.
Identifiers: ClinVar variation 5038846 (VCV005038846.1).
Genomic context (GRCh38, chr1:152,307,173, plus strand): 5'-ATGGTTTCTGGAAGCAGACCCAGACCACCTCTCAGAGTCTTCTGAGTGTCCCTGACTGTC[A>G]CTGTCCTGGCTAAAACTGGATCCCCAGTTCCTGCTTGTCCTGGGCCCCTCTGATTGTCCC-3'
Protein context (NP_002007.1, residues 2561-2581): RNWGSSFSQD[Ser2571=]DSQGHSEDSE